The following is an entry in ClinVar:

ClinVar aggregate classification (germline): Likely benign (1 of 4 stars; one submission).

Conditions:
CYP24A1-related disorder. Also called: CYP24A1-related condition.

gnomAD v4.1: 75 of 1,600,848 alleles (0.0047%); highest among the groups gnomAD compares: East Asian, 0.0089%; no homozygotes.

Submission:

PreventionGenetics, part of Exact Sciences
Classification: Likely benign for CYP24A1-related condition. Last evaluated: 2025-01-15. Review status: criteria provided, single submitter. Criteria: ACMG Guidelines, 2015. Collection method: clinical testing. Allele origin: germline.
Comment: This variant is classified as likely benign based on ACMG/AMP sequence variant interpretation guidelines (Richards et al. 2015 PMID: 25741868, with internal and published modifications).

NM_000782.5(CYP24A1):c.981G>A (p.Ala327=)

Gene: CYP24A1 (cytochrome P450 family 24 subfamily A member 1; minus strand). Cytogenetic location: 20q13.2.
Variant type: single nucleotide variant.
Coding change: c.981G>A on transcript NM_000782.5 (MANE Select); coding-DNA position 981, G replaced by A.
Protein change: p.Ala327=; no amino-acid change (alanine 327 retained).
Molecular consequence: synonymous variant.
Genome position (GRCh38, 1-based): chr20:54,162,726, C>T on the plus strand (G>A on the coding strand, the complement: CYP24A1 is on the minus strand). VCF-style: chr20-54162726-C-T. GRCh37 (hg19) VCF-style: chr20-52779265-C-T.
Other names: c.981G>A, p.Ala327= (NM_001128915.2, NM_001424340.1, NM_001424341.1 and 2 more transcripts).
Identifiers: ClinVar variation 4978148 (VCV004978148.1).